The following is an entry in ClinVar:

ClinVar aggregate classification (germline): Likely pathogenic (1 of 4 stars; one submission).

Allele frequency attached by ClinVar (database versions not stated): gnomAD exomes below 0.00001.

Submission:

GeneDx
Classification: Likely pathogenic. Last evaluated: 2015-04-10. Review status: criteria provided, single submitter. Criteria: GeneDx Variant Classification (06012015). Collection method: clinical testing. Allele origin: germline. Affected: yes.
Comment: The R106Q variant has not been published as a mutation, nor has it been reported as a benign polymorphism to our knowledge. The R106Q variant was not observed in approximately 6,500 individuals of European and African American ancestry in the NHLBI Exome Sequencing Project, indicating it is not a common benign variant in these populations. The R106Q variant is a semi-conservative amino acid substitution, which may impact secondary protein structure as these residues differ in some properties. This substitution occurs at a position that is conserved across species. In silico analysis is inconsistent in its predictions as to whether or not the variant is damaging to the protein structure/function. Missense mutations in nearby residues (C99G, C99R, C99S, C99Y, C102R, C102S, C102Y, C102W, S103C, Q111K, V112L, S115P) have been reported in the Human Gene Mutation Database in association with periodic fever syndrome (Stenson et al., 2014), supporting the functional importance of this region of the protein. Therefore, based on the currently available information, it is unclear whether this variant is a pathogenic mutation or a rare benign variant.

NM_001065.4(TNFRSF1A):c.317G>A (p.Arg106Gln)

Gene: TNFRSF1A (TNF receptor superfamily member 1A; minus strand). Cytogenetic location: 12p13.31.
Variant type: single nucleotide variant.
Coding change: c.317G>A on transcript NM_001065.4 (MANE Select); coding-DNA position 317, G replaced by A.
Protein change: p.Arg106Gln; replaces arginine 106 with glutamine.
Molecular consequence: missense variant. On other transcripts: 5 prime UTR variant (2), non-coding transcript variant (1).
Genome position (GRCh38, 1-based): chr12:6,333,742, C>T on the plus strand (G>A on the coding strand, the complement: TNFRSF1A is on the minus strand). VCF-style: chr12-6333742-C-T. GRCh37 (hg19) VCF-style: chr12-6442908-C-T.
Other names: c.-8G>A (NM_001346091.2); c.-261G>A (NM_001346092.2); short protein forms R106Q.
Identifiers: ClinVar variation 234460 (VCV000234460.2), dbSNP rs876661031, ClinGen allele CA10577454.
Genomic context (GRCh38, chr12:6,333,742, plus strand): 5'-AGGCACCCACACACCACTCAAGACCCGCCTGACTCTCCTGCCTGTGCACACTCACCCTTT[C>T]GGCATTTGGAGCAGCTGAGGCAGTGTCTGAGGTGGTTTTCTGAAGCGGTGAAGGAGCCGC-3'
Protein context (NP_001056.1, residues 96-116): LRHCLSCSKC[Arg106Gln]KEMGQVEISS